The following is an entry in ClinVar:

NM_000488.4(SERPINC1):c.415_420del (p.Lys139_Phe140del)

Gene: SERPINC1 (serpin family C member 1; minus strand). Cytogenetic location: 1q25.1.
Variant type: Deletion.
Coding change: c.415_420del on transcript NM_000488.4 (MANE Select); coding-DNA positions 415 to 420, 6 bases deleted (AAGTTT; older notation c.415_420delAAGTTT).
Protein change: p.Lys139_Phe140del.
Molecular consequence: inframe deletion. On other transcripts: intron variant (1).
Genome position (GRCh38, 1-based): chr1:173,912,003-173,912,008, AAACTT deleted on the plus strand (AAGTTT on the coding strand, the reverse complement: SERPINC1 is on the minus strand); deleting any 6 consecutive bases within chr1:173,912,003-173,912,011 gives the same sequence; the c. name uses the placement nearest the transcript's 3' end. VCF-style (leftmost placement, unchanged base first): chr1-173912002-CAAACTT-C. GRCh37 (hg19) VCF-style: chr1-173881140-CAAACTT-C.
Other names: NM_001386306.1:c.409-1117_409-1112del; c.415_420delAAGTTT (NM_000488.3); c.271_276del, p.Lys91_Phe92del (NM_001365052.2); c.415_420del, p.Lys139_Phe140del (NM_001386302.1, NM_001386304.1, NM_001386305.1); c.496_501del, p.Lys166_Phe167del (NM_001386303.1); c.409-1117_409-1112del (NM_001386306.1).
Identifiers: ClinVar variation 661362 (VCV000661362.6), dbSNP rs1572090368, ClinGen allele CA915943675.

ClinVar aggregate classification (germline): Pathogenic. Review status: reviewed by expert panel (3 of 4 stars). 2 submissions from 2 submitters: Pathogenic (1). 1 of the submissions does not count toward it. Last evaluated 2026-02-20.

Conditions:
Hereditary antithrombin deficiency (AT3D). Also called: Antithrombin III deficiency; Thrombophilia due to antithrombin III deficiency; Antithrombin deficiency; Reduced antithrombin III activity. Identifiers: Orphanet 82, MedGen C0272375, MONDO:0013144, OMIM 613118, HP:0001976.

Submissions (2):

Clingen Thrombosis Variant Curation Expert Panel, ClinGen
Classification: Pathogenic for Hereditary antithrombin deficiency. Last evaluated: 2026-02-20. Review status: reviewed by expert panel. Criteria: ClinGen ACMG Specifications SERPINC1 V1.0.0. Collection method: curation. Allele origin: germline. Inheritance: Autosomal dominant inheritance.
Comment: The c.415_420del (NM_000488.4) in-frame deletion in SERPINC1 occurs in two conserved amino acid residues (p.Lys139_Phe140del), located in a non-repeat region meeting PM4. This variant is also known as AT106-108(-6bp) and p.Phe106_Lys107del. The variant is absent from gnomAD (v4.1.0) in a region with good coverage profile across both genomes and exomes (PM2_supporting). The in-frame deletion p.Lys139_Phe140del (also reported as p.Phe138_139Lysdel; p.Phe106_Lys107del) has been reported in multiple affected individuals with antithrombin deficiency across independent unrelated probands. The deletion has also been reported in affected individuals with recorded decrease AT levels from Norwegian, New Zealander, German, Danish and French cohorts (PS4: 22627591, 28300866, 8401542, 8486379; 4.5 points). Co-segregation observed in one of the initial pedigrees with three carrier individuals with decreased AT levels (~50%) and three non-carriers with normal AT levels, spanning three generations (PM1_Moderate). In summary, based on the evidence available at this time, the clinical significance of this variant is pathogenic. ACMG/AMP criteria applied, as specified by the Thrombosis Variant Curation Expert Panel: PS4, PP1_Moderate, PM4, PM2_Supporting.

Labcorp Genetics (formerly Invitae), Labcorp
Classification: Pathogenic for Hereditary antithrombin deficiency. Last evaluated: 2024-12-03. Review status: criteria provided, single submitter. Criteria: Invitae Variant Classification Sherloc (09022015). Collection method: clinical testing. Allele origin: germline. Not counted in ClinVar's aggregate classification.
Comment: This variant, c.415_420del, results in the deletion of 2 amino acid(s) of the SERPINC1 protein (p.Lys139_Phe140del), but otherwise preserves the integrity of the reading frame. This variant is not present in population databases (gnomAD no frequency). This variant has been observed in individuals with antithrombin deficiency (PMID: 8401542, 8486379). It has also been observed to segregate with disease in related individuals. This variant is also known as delTTTAAG (del Phe106Lys107) and AT106-108(-6bp). ClinVar contains an entry for this variant (Variation ID: 661362). Experimental studies and prediction algorithms are not available or were not evaluated, and the functional significance of this variant is currently unknown. For these reasons, this variant has been classified as Pathogenic.

Literature cited by the submitters: PubMed 8401542 (cited by Labcorp Genetics (formerly Invitae), Labcorp); PubMed 8486379 (cited by Labcorp Genetics (formerly Invitae), Labcorp).